The following is an entry in ClinVar:

NM_000138.5(FBN1):c.4347G>T (p.Glu1449Asp)

Gene: FBN1 (fibrillin 1; minus strand). Cytogenetic location: 15q21.1.
Variant type: single nucleotide variant.
Coding change: c.4347G>T on transcript NM_000138.5 (MANE Select); coding-DNA position 4347, G replaced by T.
Protein change: p.Glu1449Asp; replaces glutamic acid 1449 with aspartic acid.
Molecular consequence: missense variant.
Genome position (GRCh38, 1-based): chr15:48,470,746, C>A on the plus strand (G>T on the coding strand, the complement: FBN1 is on the minus strand). VCF-style: chr15-48470746-C-A. GRCh37 (hg19) VCF-style: chr15-48762943-C-A.
Other names: short protein forms E1449D.
Identifiers: ClinVar variation 549225 (VCV000549225.4), dbSNP rs1555397423, ClinGen allele CA392354799.
Genomic context (GRCh38, chr15:48,470,746, plus strand): 5'-GCGGAACAGGCCAGGGAGGTTGTGGCAAGTTCCAAAGACACAGATGTTCGGAAGGGAGCA[C>A]TCATCAATATCTTGGGGGGAGGGAGAAAAAAGCAAAAAACTTAACTTATATTTTTCTAAA-3'
Protein context (NP_000129.3, residues 1439-1459): ADGKACEDID[Glu1449Asp]CSLPNICVFG

ClinVar aggregate classification (germline): Uncertain significance. Review status: criteria provided, multiple submitters, no conflicts (2 of 4 stars). 3 submissions from 3 submitters: Uncertain significance (2). 1 of the submissions does not count toward it. Last evaluated 2023-08-15.

Conditions:
Marfan syndrome (MFS). Also called: Marfan syndrome type 1; Marfan syndrome, classic; Marfan's syndrome; FBN1-Related Marfan Syndrome; MARFAN SYNDROME, TYPE I. Identifiers: Orphanet 284963, Orphanet 558, MedGen C0024796, MONDO:0007947, OMIM 154700.

Submissions (3):

All of Us Research Program, National Institutes of Health
Classification: Uncertain significance for Marfan syndrome. Last evaluated: 2023-08-15. Review status: criteria provided, single submitter. Criteria: ACMG Guidelines, 2015. Collection method: clinical testing. Allele origin: germline. Inheritance: Autosomal dominant inheritance. Observed: 1 variant allele, 1 heterozygote.
Comment: This study involves interpretation of variants in research participants for the purpose of population health screening. Participant phenotype was not available at the time of variant classification. Additional details can be found in publication PMID: 35346344, PMCID: PMC8962531

GeneDx
Classification: Uncertain significance. Last evaluated: 2022-10-05. Review status: criteria provided, single submitter. Criteria: GeneDx Variant Classification Process June 2021. Collection method: clinical testing. Allele origin: germline. Affected: yes.
Comment: Has not been previously published as pathogenic or benign to our knowledge; Not observed at significant frequency in large population cohorts (gnomAD); In silico analysis supports that this missense variant has a deleterious effect on protein structure/function; This variant is associated with the following publications: (PMID: 26582918, 27535533)

Center for Medical Genetics Ghent, University of Ghent
Classification: Uncertain significance for Marfan syndrome. Last evaluated: 2017-11-07. Review status: no assertion criteria provided. Collection method: clinical testing. Allele origin: germline. Affected: yes. Not counted in ClinVar's aggregate classification.